The following is an entry in ClinVar:

NM_018993.4(RIN2):c.2338A>G (p.Thr780Ala)

Gene: RIN2 (Ras and Rab interactor 2; plus strand). Cytogenetic location: 20p11.23.
Variant type: single nucleotide variant.
Coding change: c.2338A>G on transcript NM_018993.4 (MANE Select); coding-DNA position 2338, A replaced by G.
Protein change: p.Thr780Ala; replaces threonine 780 with alanine.
Molecular consequence: missense variant.
Genome position (GRCh38, 1-based): chr20:19,996,816, A>G. VCF-style: chr20-19996816-A-G. GRCh37 (hg19) VCF-style: chr20-19977460-A-G.
Other names: c.2485A>G, p.Thr829Ala (NM_001242581.2); c.1720A>G, p.Thr574Ala (NM_001378238.1); short protein forms T574A, T780A, T829A.
Identifiers: ClinVar variation 2890328 (VCV002890328.3), dbSNP rs1275332569, ClinGen allele CA408367104.

ClinVar aggregate classification (germline): Uncertain significance (1 of 4 stars; one submission).

Allele frequency attached by ClinVar (database versions not stated): gnomAD exomes 0.00001.
gnomAD v4.1: 5 of 1,603,016 alleles (0.00031%); highest among the groups gnomAD compares: Non-Finnish European, 0.00043%; no homozygotes.

Submission:

Labcorp Genetics (formerly Invitae), Labcorp
Classification: Uncertain significance. Last evaluated: 2025-06-14. Review status: criteria provided, single submitter. Criteria: Invitae Variant Classification Sherloc (09022015). Collection method: clinical testing. Allele origin: germline.
Comment: This sequence change replaces threonine, which is neutral and polar, with alanine, which is neutral and non-polar, at codon 780 of the RIN2 protein (p.Thr780Ala). The frequency data for this variant in the population databases is considered unreliable, as metrics indicate poor data quality at this position in the gnomAD database. This variant has not been reported in the literature in individuals affected with RIN2-related conditions. ClinVar contains an entry for this variant (Variation ID: 2890328). Experimental studies and prediction algorithms are not available or were not evaluated, and the functional significance of this variant is currently unknown. In summary, the available evidence is currently insufficient to determine the role of this variant in disease. Therefore, it has been classified as a Variant of Uncertain Significance.